The following is an entry in ClinVar:

NM_004447.6(EPS8):c.1424T>G (p.Leu475Ter)

Gene: EPS8 (EGFR pathway substrate 8, signaling adaptor; minus strand). Cytogenetic location: 12p12.3.
Variant type: single nucleotide variant.
Coding change: c.1424T>G on transcript NM_004447.6 (MANE Select); coding-DNA position 1424, T replaced by G.
Protein change: p.Leu475Ter; replaces leucine 475 with a stop codon.
Molecular consequence: nonsense.
Genome position (GRCh38, 1-based): chr12:15,650,833, A>C on the plus strand (T>G on the coding strand, the complement: EPS8 is on the minus strand). VCF-style: chr12-15650833-A-C. GRCh37 (hg19) VCF-style: chr12-15803767-A-C.
Other names: short protein forms L475*.
Identifiers: ClinVar variation 1342940 (VCV001342940.2), dbSNP rs2135785787, ClinGen allele CA384028878.
Genomic context (GRCh38, chr12:15,650,833, plus strand): 5'-ACACAGATAATTACACTGTCTACAGAGGGCAATGTTAAAAAAAAAACTACCTCTGTGGAT[A>C]ATCTTTTTATTTCCTGTTTGCGCTGATGTTCTGCTACATTTGCCACAGATTCTGCCAGTT-3'

ClinVar aggregate classification (germline): Pathogenic (1 of 4 stars; one submission).

Conditions:
Autosomal recessive nonsyndromic hearing loss 102. Also called: Deafness, autosomal recessive 102. Identifiers: Orphanet 90636, MedGen C3892050, MONDO:0014428, OMIM 615974.

Submission:

Pars Genome Lab
Classification: Pathogenic for Autosomal recessive nonsyndromic hearing loss 102. Last evaluated: 2022-03-01. Review status: criteria provided, single submitter. Criteria: ACMG Guidelines, 2015. Collection method: clinical testing. Allele origin: germline. Inheritance: Autosomal recessive inheritance. Affected: yes.